The following is an entry in ClinVar:

NM_001103.4(ACTN2):c.126+2T>G

Gene: ACTN2 (actinin alpha 2; plus strand). Cytogenetic location: 1q43.
Variant type: single nucleotide variant.
Coding change: c.126+2T>G on transcript NM_001103.4 (MANE Select); the canonical splice donor site of the intron after coding-DNA position 126, T replaced by G.
Molecular consequence: splice donor variant.
Genome position (GRCh38, 1-based): chr1:236,686,801, T>G. VCF-style: chr1-236686801-T-G. GRCh37 (hg19) VCF-style: chr1-236850101-T-G.
Other names: c.126+2T>G (NM_001103.2, NM_001278343.2).
Identifiers: ClinVar variation 2937089 (VCV002937089.4), dbSNP rs2527438487, ClinGen allele CA345358538.

ClinVar aggregate classification (germline): Uncertain significance. Review status: criteria provided, multiple submitters, no conflicts (2 of 4 stars). 2 submissions from 2 submitters: Uncertain significance (2). Last evaluated 2023-11-27.

Conditions:
Cardiovascular phenotype. Identifiers: MedGen CN230736.
Dilated cardiomyopathy 1AA (CMD1AA). Also called: Cardiomyopathy, dilated, 1AA, with or without LVNC; CARDIOMYOPATHY, DILATED, 1AA, WITH OR WITHOUT LEFT VENTRICULAR NONCOMPACTION; CARDIOMYOPATHY, FAMILIAL HYPERTROPHIC, 23, WITH OR WITHOUT LEFT VENTRICULAR NONCOMPACTION. Identifiers: Orphanet 154, MedGen C2677338, MONDO:0012808, OMIM 612158.
Primary familial hypertrophic cardiomyopathy (HCM). Identifiers: Orphanet 99739, MedGen C0949658, MeSH D024741, MONDO:0024573. Inheritance: Various modes of inheritance.

Submissions (2):

Ambry Genetics
Classification: Uncertain significance for Cardiovascular phenotype. Last evaluated: 2023-11-27. Review status: criteria provided, single submitter. Criteria: Ambry Variant Classification Scheme 2023. Collection method: clinical testing. Allele origin: germline.
Comment: The c.126+2T>G intronic variant results from a T to G substitution two nucleotides after coding exon 1 in the ACTN2 gene. This nucleotide position is highly conserved in available vertebrate species. In silico splice site analysis predicts that this alteration will weaken the native splice donor site. Alterations that disrupt the canonical splice site are expected to cause aberrant splicing, resulting in an abnormal protein or a transcript that is subject to nonsense-mediated mRNA decay. However, loss of function of ACTN2 has not been established as a mechanism of disease. Since supporting evidence is limited at this time, the clinical significance of this alteration remains unclear.

Labcorp Genetics (formerly Invitae), Labcorp
Classification: Uncertain significance for Primary familial hypertrophic cardiomyopathy; Dilated cardiomyopathy 1AA. Last evaluated: 2023-04-11. Review status: criteria provided, single submitter. Criteria: Invitae Variant Classification Sherloc (09022015). Collection method: clinical testing. Allele origin: germline.
Comment: In summary, the available evidence is currently insufficient to determine the role of this variant in disease. Therefore, it has been classified as a Variant of Uncertain Significance. Algorithms developed to predict the effect of sequence changes on RNA splicing suggest that this variant may disrupt the consensus splice site. This variant has not been reported in the literature in individuals affected with ACTN2-related conditions. This variant is not present in population databases (gnomAD no frequency). This sequence change affects a donor splice site in intron 1 of the ACTN2 gene. It is expected to disrupt RNA splicing. Variants that disrupt the donor or acceptor splice site typically lead to a loss of protein function (PMID: 16199547), however the current clinical and genetic evidence is not sufficient to establish whether loss-of-function variants in ACTN2 cause disease.

Literature cited by the submitters: PubMed 16199547 (cited by Labcorp Genetics (formerly Invitae), Labcorp).